The following is an entry in ClinVar:

ClinVar aggregate classification (germline): Benign (1 of 4 stars; one submission).

Allele frequency attached by ClinVar (database versions not stated): gnomAD exomes 0.09983 and 0.10637; ESP Exome Variant Server 0.10883; ExAC 0.10985; gnomAD 0.11302 and 0.11461; TOPMed 0.11802; 1000 Genomes Project 0.14716; 1000 Genomes Project 30x 0.14897.
gnomAD v4.1: 164,077 of 1,613,994 alleles (10%); highest among the groups gnomAD compares: Middle Eastern, 17%; 9,228 homozygotes.

Submission:

Laboratory for Molecular Medicine, Mass General Brigham Personalized Medicine
Classification: Benign. Last evaluated: 2016-03-28. Review status: criteria provided, single submitter. Criteria: LMM Criteria. Collection method: clinical testing. Allele origin: germline.
Comment: Variant identified in a genome or exome case(s) and assessed due to predicted null impact of the variant or pathogenic assertions in the literature or databases. Disclaimer: This variant has not undergone full assessment. The following are preliminary notes: MAF

NM_002114.4(HIVEP1):c.3221A>G (p.Asn1074Ser)

Gene: HIVEP1 (HIVEP zinc finger 1; plus strand). Cytogenetic location: 6p24.1.
Variant type: single nucleotide variant.
Coding change: c.3221A>G on transcript NM_002114.4 (MANE Select); coding-DNA position 3221, A replaced by G.
Protein change: p.Asn1074Ser; replaces asparagine 1074 with serine.
Molecular consequence: missense variant.
Genome position (GRCh38, 1-based): chr6:12,123,016, A>G. VCF-style: chr6-12123016-A-G. GRCh37 (hg19) VCF-style: chr6-12123249-A-G.
Other names: short protein forms N1074S.
Identifiers: ClinVar variation 402936 (VCV000402936.4), dbSNP rs2228220, ClinGen allele CA3637506.